The following is an entry in ClinVar:

NM_004360.5(CDH1):c.2054dup (p.Cys686fs)

Gene: CDH1 (cadherin 1; plus strand). Cytogenetic location: 16q22.1.
Variant type: Duplication.
Coding change: c.2054dup on transcript NM_004360.5 (MANE Select); coding-DNA position 2054, one base duplicated (T; older notation c.2054dupT).
Protein change: p.Cys686fs; shifts the reading frame from cysteine 686.
Molecular consequence: frameshift variant.
Genome position (GRCh38, 1-based): chr16:68,823,516, T duplicated. VCF-style (leftmost placement, unchanged base first): chr16-68823515-G-GT. GRCh37 (hg19) VCF-style: chr16-68857418-G-GT.
Other names: c.1871dup, p.Cys625fs (NM_001317184.2); c.506dup, p.Cys170fs (NM_001317185.2); c.89dup, p.Cys31fs (NM_001317186.2); short protein forms C170fs, C31fs, C625fs, C686fs.
Identifiers: ClinVar variation 1455457 (VCV001455457.6), dbSNP rs2152139452, ClinGen allele CA2573152641.

ClinVar aggregate classification (germline): Pathogenic (1 of 4 stars; one submission).

Conditions:
Hereditary diffuse gastric adenocarcinoma (HDGC). Also called: DIFFUSE GASTRIC AND LOBULAR BREAST CANCER SYNDROME. Identifiers: Orphanet 26106, MedGen C1708349, MONDO:0007648, OMIM 137215.

Submission:

Labcorp Genetics (formerly Invitae), Labcorp
Classification: Pathogenic for Hereditary diffuse gastric adenocarcinoma. Last evaluated: 2022-11-09. Review status: criteria provided, single submitter. Criteria: Invitae Variant Classification Sherloc (09022015). Collection method: clinical testing. Allele origin: germline.
Comment: ClinVar contains an entry for this variant (Variation ID: 1455457). For these reasons, this variant has been classified as Pathogenic. This variant has not been reported in the literature in individuals affected with CDH1-related conditions. This variant is not present in population databases (gnomAD no frequency). This sequence change creates a premature translational stop signal (p.Cys686Valfs*2) in the CDH1 gene. It is expected to result in an absent or disrupted protein product. Loss-of-function variants in CDH1 are known to be pathogenic (PMID: 15235021, 20373070).

Literature cited by the submitters: PubMed 15235021; PubMed 20373070.